The following is an entry in ClinVar:

ClinVar aggregate classification (germline): Uncertain significance. Review status: criteria provided, multiple submitters, no conflicts (2 of 4 stars). 2 submissions from 2 submitters: Uncertain significance (2). Last evaluated 2025-03-27.

Conditions:
KMT2D-related disorder. Also called: KMT2D-Related Disorders.

Submissions (2):

PreventionGenetics, part of Exact Sciences
Classification: Uncertain significance for KMT2D-related condition. Last evaluated: 2025-03-27. Review status: criteria provided, single submitter. Criteria: ACMG Guidelines, 2015. Collection method: clinical testing. Allele origin: germline.
Comment: The KMT2D c.2811_2813delTCC variant is predicted to result in an in-frame deletion (p.Pro938del). To our knowledge, this variant has not been reported in the literature. This variant is reported in 0.0056% of alleles in individuals of East Asian descent in gnomAD. At this time, the clinical significance of this variant is uncertain due to the absence of conclusive functional and genetic evidence.

CeGaT Center for Human Genetics Tuebingen
Classification: Uncertain significance. Last evaluated: 2025-02-01. Review status: criteria provided, single submitter. Criteria: CeGaT Center For Human Genetics Tuebingen Variant Classification Criteria Version 2. Collection method: clinical testing. Allele origin: germline. Affected: yes. Observed: 1 variant allele.
Comment: KMT2D: PM4:Supporting

NM_003482.4(KMT2D):c.2805TCC[2] (p.Pro938del)

Gene: KMT2D (lysine methyltransferase 2D; minus strand). Cytogenetic location: 12q13.12.
Variant type: Microsatellite.
Coding change: c.2805TCC[2] on transcript NM_003482.4 (MANE Select); two copies in a row of the 3-base unit TCC starting at c.2805; the reference has three copies in a row; one copy, 3 bases deleted.
Protein change: p.Pro938del; deletes proline 938.
Molecular consequence: inframe indel (on NM_003482.3).
Genome position (GRCh38, 1-based): chr12:49,050,775-49,050,777, GGA deleted on the plus strand (TCC on the coding strand, the reverse complement: KMT2D is on the minus strand); deleting any 3 consecutive bases within chr12:49,050,775-49,050,783 gives the same sequence; the position shown is the placement nearest the transcript's 3' end. VCF-style (leftmost placement, unchanged base first): chr12-49050774-TGGA-T. GRCh37 (hg19) VCF-style: chr12-49444557-TGGA-T.
Other names: c.2805_2807TCC[2], p.Pro938del (NM_003482.3); c.2811_2813delTCC (NM_003482.3); short protein forms P938del.
Identifiers: ClinVar variation 3772536 (VCV003772536.14).